The following is an entry in ClinVar:

NM_138691.3(TMC1):c.247G>T (p.Glu83Ter)

Gene: TMC1 (transmembrane channel like 1; plus strand). Cytogenetic location: 9q21.13.
Variant type: single nucleotide variant.
Coding change: c.247G>T on transcript NM_138691.3 (MANE Select); coding-DNA position 247, G replaced by T.
Protein change: p.Glu83Ter; replaces glutamic acid 83 with a stop codon.
Molecular consequence: nonsense.
Genome position (GRCh38, 1-based): chr9:72,700,528, G>T. VCF-style: chr9-72700528-G-T. GRCh37 (hg19) VCF-style: chr9-75315444-G-T.
Other names: short protein forms E83*.
Identifiers: ClinVar variation 2735276 (VCV002735276.3), dbSNP rs1295277804, ClinGen allele CA373724403.
Genomic context (GRCh38, chr9:72,700,528, plus strand): 5'-AGTCAAGCAAAGCTTAACTTTATTAAGGTGTTTCTTTTTTACTTTTAAAGAGAAGAAGAA[G>T]AAATTGATGAAGAGGAATTGGAAAGATTGAAGGCAGAGTTAGATGAGAAAAGACAAATAA-3'

ClinVar aggregate classification (germline): Pathogenic (1 of 4 stars; one submission).

Allele frequency attached by ClinVar (database versions not stated): TOPMed below 0.00001.
gnomAD v4.1: 8 of 1,591,682 alleles (0.0005%); highest among the groups gnomAD compares: Non-Finnish European, 0.00069%; no homozygotes.

Submission:

Labcorp Genetics (formerly Invitae), Labcorp
Classification: Pathogenic. Last evaluated: 2023-05-17. Review status: criteria provided, single submitter. Criteria: Invitae Variant Classification Sherloc (09022015). Collection method: clinical testing. Allele origin: germline.
Comment: Algorithms developed to predict the effect of sequence changes on RNA splicing suggest that this variant may disrupt the consensus splice site. For these reasons, this variant has been classified as Pathogenic. This premature translational stop signal has been observed in individual(s) with deafness (PMID: 26969326, 31152317). This variant is present in population databases (no rsID available, gnomAD 0.007%). This sequence change creates a premature translational stop signal (p.Glu83*) in the TMC1 gene. It is expected to result in an absent or disrupted protein product. Loss-of-function variants in TMC1 are known to be pathogenic (PMID: 11850618, 22105175).

Literature cited by the submitters: PubMed 26969326; PubMed 31152317; PubMed 11850618; PubMed 22105175.